The following is an entry in ClinVar:

NM_152383.5(DIS3L2):c.1253C>A (p.Pro418Gln)

Gene: DIS3L2 (DIS3 like 3'-5' exoribonuclease 2; plus strand). Cytogenetic location: 2q37.1.
Variant type: single nucleotide variant.
Coding change: c.1253C>A on transcript NM_152383.5 (MANE Select); coding-DNA position 1253, C replaced by A.
Protein change: p.Pro418Gln; replaces proline 418 with glutamine.
Molecular consequence: missense variant. On other transcripts: non-coding transcript variant (2).
Genome position (GRCh38, 1-based): chr2:232,238,581, C>A. VCF-style: chr2-232238581-C-A. GRCh37 (hg19) VCF-style: chr2-233103291-C-A.
Other names: c.1253C>A, p.Pro418Gln (NM_001257281.2); short protein forms P418Q.
Identifiers: ClinVar variation 2988410 (VCV002988410.3), dbSNP rs752820747, ClinGen allele CA2164093.

ClinVar aggregate classification (germline): Uncertain significance (1 of 4 stars; one submission).

Conditions:
Perlman syndrome (PRLMNS). Identifiers: Orphanet 2849, MedGen C0796113, MONDO:0009965, OMIM 267000.

gnomAD v4.1: 1 of 1,614,154 alleles (0.000062%); highest among the groups gnomAD compares: Non-Finnish European, 0.000085%; no homozygotes.

Submission:

Labcorp Genetics (formerly Invitae), Labcorp
Classification: Uncertain significance for Perlman syndrome. Last evaluated: 2023-05-22. Review status: criteria provided, single submitter. Criteria: Invitae Variant Classification Sherloc (09022015). Collection method: clinical testing. Allele origin: germline.
Comment: This sequence change replaces proline, which is neutral and non-polar, with glutamine, which is neutral and polar, at codon 418 of the DIS3L2 protein (p.Pro418Gln). In summary, the available evidence is currently insufficient to determine the role of this variant in disease. Therefore, it has been classified as a Variant of Uncertain Significance. Algorithms developed to predict the effect of sequence changes on RNA splicing suggest that this variant may create or strengthen a splice site. Advanced modeling of protein sequence and biophysical properties (such as structural, functional, and spatial information, amino acid conservation, physicochemical variation, residue mobility, and thermodynamic stability) performed at Invitae indicates that this missense variant is not expected to disrupt DIS3L2 protein function. This variant has not been reported in the literature in individuals affected with DIS3L2-related conditions. This variant is present in population databases (rs752820747, gnomAD 0.0009%).